The following is an entry in ClinVar:

NM_014159.7(SETD2):c.5364C>T (p.Asp1788=)

Gene: SETD2 (SET domain containing 2, histone lysine methyltransferase; minus strand). Cytogenetic location: 3p21.31.
Variant type: single nucleotide variant.
Coding change: c.5364C>T on transcript NM_014159.7 (MANE Select); coding-DNA position 5364, C replaced by T.
Protein change: p.Asp1788=; no amino-acid change (aspartic acid 1788 retained).
Molecular consequence: synonymous variant. On other transcripts: non-coding transcript variant (1).
Genome position (GRCh38, 1-based): chr3:47,086,228, G>A on the plus strand (C>T on the coding strand, the complement: SETD2 is on the minus strand). VCF-style: chr3-47086228-G-A. GRCh37 (hg19) VCF-style: chr3-47127718-G-A.
Other names: c.5232C>T, p.Asp1744= (NM_001349370.3).
Identifiers: ClinVar variation 542242 (VCV000542242.13), dbSNP rs148618471, ClinGen allele CA2362926.

ClinVar aggregate classification (germline): Likely benign. Review status: criteria provided, single submitter (1 of 4 stars). 2 submissions from 2 submitters: Likely benign (1). 1 of the submissions does not count toward it. Last evaluated 2020-04-26.

Conditions:
Luscan-Lumish syndrome. Identifiers: Orphanet 597738, MedGen C4085873, MONDO:0014791, OMIM 616831.
SETD2-related disorder.

Allele frequency attached by ClinVar (database versions not stated): ExAC 0.00008; TOPMed 0.00008; ESP Exome Variant Server 0.00015; 1000 Genomes Project 30x 0.00031; 1000 Genomes Project 0.00040; gnomAD 0.00006 and 0.00007; gnomAD exomes 0.00007.
gnomAD v4.1: 161 of 1,612,998 alleles (0.01%); highest among the groups gnomAD compares: South Asian, 0.02%; no homozygotes.

Submissions (2):

Labcorp Genetics (formerly Invitae), Labcorp
Classification: Likely benign for Luscan-Lumish syndrome. Last evaluated: 2020-04-26. Review status: criteria provided, single submitter. Criteria: Invitae Variant Classification Sherloc (09022015). Collection method: clinical testing. Allele origin: germline.

PreventionGenetics, part of Exact Sciences
Classification: Likely benign for SETD2-related condition. Last evaluated: 2019-05-28. Review status: no assertion criteria provided. Collection method: clinical testing. Allele origin: germline. Not counted in ClinVar's aggregate classification.
Comment: This variant is classified as likely benign based on ACMG/AMP sequence variant interpretation guidelines (Richards et al. 2015 PMID: 25741868, with internal and published modifications).